The following is an entry in ClinVar:

NM_001378418.1(TCF20):c.2420G>A (p.Ser807Asn)

Gene: TCF20 (transcription factor 20; minus strand). Cytogenetic location: 22q13.2.
Variant type: single nucleotide variant.
Coding change: c.2420G>A on transcript NM_001378418.1 (MANE Select); coding-DNA position 2420, G replaced by A.
Protein change: p.Ser807Asn; replaces serine 807 with asparagine.
Molecular consequence: missense variant.
Genome position (GRCh38, 1-based): chr22:42,212,886, C>T on the plus strand (G>A on the coding strand, the complement: TCF20 is on the minus strand). VCF-style: chr22-42212886-C-T. GRCh37 (hg19) VCF-style: chr22-42608892-C-T.
Other names: c.2420G>A, p.Ser807Asn (NM_005650.4, NM_181492.3); short protein forms S807N.
Identifiers: ClinVar variation 2339848 (VCV002339848.4), dbSNP rs1291798813, ClinGen allele CA411788695.
Genomic context (GRCh38, chr22:42,212,886, plus strand): 5'-GTGCTGCTTGATTTCCTTTCCCAGGGGCCCCAGTGGGGATTTTCTAATAGAGACCCAATG[C>T]TTTTGTTCAGAAGGCCCCTGCTAGCTAATTCATTGGTTTGACTAACCAAGACATTGGGCC-3'
Protein context (NP_001365347.1, residues 797-817): ELASRGLLNK[Ser807Asn]IGSLLENPHW

ClinVar aggregate classification (germline): Uncertain significance. Review status: criteria provided, multiple submitters, no conflicts (2 of 4 stars). 2 submissions from 2 submitters: Uncertain significance (2). Last evaluated 2025-07-06.

Conditions:
Inborn genetic diseases. Identifiers: MedGen C0950123, MeSH D030342.

Allele frequency attached by ClinVar (database versions not stated): gnomAD exomes below 0.00001; gnomAD 0.00001; TOPMed 0.00001.

Submissions (2):

Labcorp Genetics (formerly Invitae), Labcorp
Classification: Uncertain significance. Last evaluated: 2025-07-06. Review status: criteria provided, single submitter. Criteria: Invitae Variant Classification Sherloc (09022015). Collection method: clinical testing. Allele origin: germline.
Comment: This sequence change replaces serine, which is neutral and polar, with asparagine, which is neutral and polar, at codon 807 of the TCF20 protein (p.Ser807Asn). This variant is present in population databases (no rsID available, gnomAD 0.007%). This variant has not been reported in the literature in individuals affected with TCF20-related conditions. ClinVar contains an entry for this variant (Variation ID: 2339848). An algorithm developed to predict the effect of missense changes on protein structure and function (PolyPhen-2) suggests that this variant is likely to be tolerated. In summary, the available evidence is currently insufficient to determine the role of this variant in disease. Therefore, it has been classified as a Variant of Uncertain Significance.

Ambry Genetics
Classification: Uncertain significance for Inborn genetic diseases. Last evaluated: 2023-02-10. Review status: criteria provided, single submitter. Criteria: Ambry Variant Classification Scheme 2023. Collection method: clinical testing. Allele origin: germline.
Comment: The c.2420G>A (p.S807N) alteration is located in exon 1 (coding exon 1) of the TCF20 gene. This alteration results from a G to A substitution at nucleotide position 2420, causing the serine (S) at amino acid position 807 to be replaced by an asparagine (N). This allele was reported in one heterozygous individual in population-based cohorts in the Genome Aggregation Database (gnomAD). This amino acid position is well conserved in available vertebrate species. This alteration is predicted to be tolerated by in silico analysis. Based on insufficient or conflicting evidence, the clinical significance of this alteration remains unclear.